The following is an entry in ClinVar:

NM_022489.4(INF2):c.3302G>T (p.Trp1101Leu)

Gene: INF2 (inverted formin 2; plus strand). Cytogenetic location: 14q32.33.
Variant type: single nucleotide variant.
Coding change: c.3302G>T on transcript NM_022489.4 (MANE Select); coding-DNA position 3302, G replaced by T.
Protein change: p.Trp1101Leu; replaces tryptophan 1101 with leucine.
Molecular consequence: missense variant. On other transcripts: non-coding transcript variant (1).
Genome position (GRCh38, 1-based): chr14:104,714,464, G>T. VCF-style: chr14-104714464-G-T. GRCh37 (hg19) VCF-style: chr14-105180801-G-T.
Other names: c.3302G>T, p.Trp1101Leu (NM_001031714.4, NM_001426862.1, NM_001426863.1 and 2 more transcripts); short protein forms W1101L.
Identifiers: ClinVar variation 3761031 (VCV003761031.2).

ClinVar aggregate classification (germline): Uncertain significance (1 of 4 stars; one submission).

Conditions:
Focal segmental glomerulosclerosis 5 (FSGS5). Identifiers: Orphanet 656, MedGen C2750475, MONDO:0013191, OMIM 613237.
Charcot-Marie-Tooth disease dominant intermediate E. Also called: CHARCOT-MARIE-TOOTH NEUROPATHY WITH FOCAL SEGMENTAL GLOMERULONEPHRITIS. Identifiers: Orphanet 93114, MedGen C4302667, MONDO:0013758, OMIM 614455.

gnomAD v4.1: 14 of 1,612,120 alleles (0.00087%); highest among the groups gnomAD compares: Non-Finnish European, 0.0012%; no homozygotes.

Submission:

Labcorp Genetics (formerly Invitae), Labcorp
Classification: Uncertain significance for Charcot-Marie-Tooth disease dominant intermediate E; Focal segmental glomerulosclerosis 5. Last evaluated: 2024-10-16. Review status: criteria provided, single submitter. Criteria: Invitae Variant Classification Sherloc (09022015). Collection method: clinical testing. Allele origin: germline.
Comment: This sequence change replaces tryptophan, which is neutral and slightly polar, with leucine, which is neutral and non-polar, at codon 1101 of the INF2 protein (p.Trp1101Leu). This variant is not present in population databases (gnomAD no frequency). This variant has not been reported in the literature in individuals affected with INF2-related conditions. Invitae Evidence Modeling of protein sequence and biophysical properties (such as structural, functional, and spatial information, amino acid conservation, physicochemical variation, residue mobility, and thermodynamic stability) indicates that this missense variant is not expected to disrupt INF2 protein function with a negative predictive value of 95%. In summary, the available evidence is currently insufficient to determine the role of this variant in disease. Therefore, it has been classified as a Variant of Uncertain Significance.